The following is an entry in ClinVar:

ClinVar aggregate classification (germline): Uncertain significance (1 of 4 stars; one submission).

Conditions:
Deficiency of hyaluronoglucosaminidase (MPS9). Also called: MPS IX; HYALURONIDASE DEFICIENCY; Mucopolysaccharidosis type 9. Identifiers: Orphanet 67041, MedGen C1291490, MONDO:0011093, OMIM 601492.

Submission:

Labcorp Genetics (formerly Invitae), Labcorp
Classification: Uncertain significance for Deficiency of hyaluronoglucosaminidase. Last evaluated: 2021-04-17. Review status: criteria provided, single submitter. Criteria: Invitae Variant Classification Sherloc (09022015). Collection method: clinical testing. Allele origin: germline.
Comment: This sequence change replaces arginine with serine at codon 226 of the HYAL1 protein (p.Arg226Ser). The arginine residue is weakly conserved and there is a moderate physicochemical difference between arginine and serine. This variant is not present in population databases (ExAC no frequency). This variant has not been reported in the literature in individuals with HYAL1-related conditions. Algorithms developed to predict the effect of missense changes on protein structure and function output the following: SIFT: "Tolerated"; PolyPhen-2: "Benign"; Align-GVGD: "Class C0". The serine amino acid residue is found in multiple mammalian species, suggesting that this missense change does not adversely affect protein function. These predictions have not been confirmed by published functional studies and their clinical significance is uncertain. In summary, the available evidence is currently insufficient to determine the role of this variant in disease. Therefore, it has been classified as a Variant of Uncertain Significance.

NM_033159.4(HYAL1):c.676C>A (p.Arg226Ser)

Gene: HYAL1 (hyaluronidase 1; minus strand). Cytogenetic location: 3p21.31.
Variant type: single nucleotide variant.
Coding change: c.676C>A on transcript NM_033159.4 (MANE Select); coding-DNA position 676, C replaced by A.
Protein change: p.Arg226Ser; replaces arginine 226 with serine.
Molecular consequence: missense variant. On other transcripts: non-coding transcript variant (1), intron variant (1).
Genome position (GRCh38, 1-based): chr3:50,302,281, G>T on the plus strand (C>A on the coding strand, the complement: HYAL1 is on the minus strand). VCF-style: chr3-50302281-G-T. GRCh37 (hg19) VCF-style: chr3-50339712-G-T.
Other names: c.676C>A, p.Arg226Ser (NM_007312.3, NM_153281.2, NM_153282.3); c.130C>A, p.Arg44Ser (NM_153283.3); c.-26-76C>A (NM_153285.3); short protein forms R226S, R44S.
Identifiers: ClinVar variation 2162496 (VCV002162496.1), dbSNP rs370585179, ClinGen allele CA352893104.